The following is an entry in ClinVar:

ClinVar aggregate classification (germline): Uncertain significance (1 of 4 stars; one submission).

Submission:

Labcorp Genetics (formerly Invitae), Labcorp
Classification: Uncertain significance. Last evaluated: 2024-09-25. Review status: criteria provided, single submitter. Criteria: Invitae Variant Classification Sherloc (09022015). Collection method: clinical testing. Allele origin: germline.
Comment: This variant, c.2168_2170del, results in the deletion of 1 amino acid(s) of the ABL1 protein (p.Glu723del), but otherwise preserves the integrity of the reading frame. This variant is present in population databases (no rsID available, gnomAD 0.002%). This variant has not been reported in the literature in individuals affected with ABL1-related conditions. Experimental studies and prediction algorithms are not available or were not evaluated, and the functional significance of this variant is currently unknown. In summary, the available evidence is currently insufficient to determine the role of this variant in disease. Therefore, it has been classified as a Variant of Uncertain Significance.

NM_005157.6(ABL1):c.2105AGG[2] (p.Glu704del)

Gene: ABL1 (ABL proto-oncogene 1, non-receptor tyrosine kinase; plus strand). Cytogenetic location: 9q34.12.
Variant type: Microsatellite.
Coding change: c.2105AGG[2] on transcript NM_005157.6 (MANE Select); two copies in a row of the 3-base unit AGG starting at c.2105; the reference has three copies in a row; one copy, 3 bases deleted.
Protein change: p.Glu704del; deletes glutamic acid 704.
Molecular consequence: inframe deletion.
Genome position (GRCh38, 1-based): chr9:130,884,401-130,884,403, AGG deleted; deleting any 3 consecutive bases within chr9:130,884,394-130,884,403 gives the same sequence; the position shown is the placement nearest the transcript's 3' end. VCF-style (leftmost placement, unchanged base first): chr9-130884393-CGAG-C. GRCh37 (hg19) VCF-style: chr9-133759780-CGAG-C.
Other names: c.2162AGG[2], p.Glu723del (NM_007313.3); short protein forms E704del, E723del.
Identifiers: ClinVar variation 1975118 (VCV001975118.5), dbSNP rs1008368368, ClinGen allele CA200651741.